The following is an entry in ClinVar:

NM_000535.7(PMS2):c.2534A>T (p.His845Leu)

Gene: PMS2 (PMS1 homolog 2, mismatch repair system component; minus strand). Cytogenetic location: 7p22.1.
Variant type: single nucleotide variant.
Coding change: c.2534A>T on transcript NM_000535.7 (MANE Select); coding-DNA position 2534, A replaced by T.
Protein change: p.His845Leu; replaces histidine 845 with leucine.
Molecular consequence: missense variant. On other transcripts: non-coding transcript variant (1).
Genome position (GRCh38, 1-based): chr7:5,973,454, T>A on the plus strand (A>T on the coding strand, the complement: PMS2 is on the minus strand). VCF-style: chr7-5973454-T-A. GRCh37 (hg19) VCF-style: chr7-6013085-T-A.
Other names: c.2129A>T, p.His710Leu (NM_001322003.2, NM_001322004.2, NM_001322005.2); c.2378A>T, p.His793Leu (NM_001322006.2); c.2216A>T, p.His739Leu (NM_001322007.2, NM_001322008.2); c.2162A>T, p.His721Leu (NM_001322009.2); c.1973A>T, p.His658Leu (NM_001322010.2); c.1601A>T, p.His534Leu (NM_001322011.2, NM_001322012.2); c.1961A>T, p.His654Leu (NM_001322013.2); c.2567A>T, p.His856Leu (NM_001322014.2); and 1 more; short protein forms H845L, H710L, H739L, H658L, H742L, H654L, H534L, H721L.
Identifiers: ClinVar variation 480297 (VCV000480297.20), dbSNP rs1554292741, ClinGen allele CA366734849.

ClinVar aggregate classification (germline): Conflicting classifications of pathogenicity. Review status: criteria provided, conflicting classifications (1 of 4 stars). 4 submissions from 4 submitters: Likely pathogenic (2); Uncertain significance (2). Last evaluated 2025-11-18.

Conditions:
Lynch syndrome 4 (LYNCH4). Also called: Colorectal cancer, hereditary nonpolyposis, type 4; Hereditary non-polyposis colorectal cancer, type 4. Identifiers: Orphanet 144, MedGen C1838333, MONDO:0013699, OMIM 614337. Disease mechanism: loss of function.
Mismatch repair cancer syndrome 4. Identifiers: MedGen C5436817, MONDO:0030843, OMIM 619101.
Hereditary cancer-predisposing syndrome. Also called: Hereditary Cancer Syndrome; Neoplastic Syndromes, Hereditary; Tumor predisposition; Hereditary neoplastic syndrome. Identifiers: Orphanet 140162, MedGen C0027672, MeSH D009386, MONDO:0015356.
Hereditary nonpolyposis colorectal neoplasms. Identifiers: MedGen C0009405, MeSH D003123.

Submissions (4):

Ambry Genetics
Classification: Likely pathogenic for Hereditary cancer-predisposing syndrome. Last evaluated: 2025-11-18. Review status: criteria provided, single submitter. Criteria: Ambry Variant Classification Scheme 2023. Collection method: clinical testing. Allele origin: germline.
Comment: The p.H845L variant (also known as c.2534A>T), located in coding exon 15 of the PMS2 gene, results from an A to T substitution at nucleotide position 2534. The histidine at codon 845 is replaced by leucine, an amino acid with similar properties. This variant has been reported in individuals with colorectal cancer with tumor tissue showing MSI-H and loss of PMS2 by IHC analysis (Goodenberger ML et al. Genet. Med., 2016 Jan;18:13-9; Yurgelun et al. J Clin Oncol 2017 Apr;35(10):1086-1095). Based on internal structural assessment, this alteration disrupts the Zinc-binding exonuclease site (Gueneau E et al., Nat. Struct. Mol. Biol. 2013 Apr; 20(4):461-8). This missense alteration is located in a region that has a low rate of benign missense variation (Lek M et al. Nature. 2016 Aug 18;536(7616):285-91; DECIPHER: Database of Chromosomal Imbalance and Phenotype in Humans using Ensembl Resources. Firth H.V. et al. 2009. Am.J.Hum.Genet. 84, 524-533 (DOI)). This amino acid position is highly conserved in available vertebrate species. In addition, this alteration is predicted to be deleterious by in silico analysis. This variant is considered to be rare based on population cohorts in the Genome Aggregation Database (gnomAD). Based on the majority of available evidence to date, this alteration is likely to be pathogenic.

Labcorp Genetics (formerly Invitae), Labcorp
Classification: Uncertain significance for Hereditary nonpolyposis colorectal neoplasms. Last evaluated: 2025-05-25. Review status: criteria provided, single submitter. Criteria: Invitae Variant Classification Sherloc (09022015). Collection method: clinical testing. Allele origin: germline.
Comment: This sequence change replaces histidine, which is basic and polar, with leucine, which is neutral and non-polar, at codon 845 of the PMS2 protein (p.His845Leu). The frequency data for this variant in the population databases (gnomAD) is considered unreliable due to the presence of homologous sequence, such as pseudogenes or paralogs, in the genome. This missense change has been observed in individual(s) with colorectal cancer (PMID: 25856668, 28135145). ClinVar contains an entry for this variant (Variation ID: 480297). Invitae Evidence Modeling incorporating data from in vitro experimental studies (internal data) indicates that this missense variant is expected to disrupt PMS2 function with a positive predictive value of 95%. In summary, the available evidence is currently insufficient to determine the role of this variant in disease. Therefore, it has been classified as a Variant of Uncertain Significance.

Fulgent Genetics
Classification: Likely pathogenic for Lynch syndrome 4; Mismatch repair cancer syndrome 4. Last evaluated: 2024-03-01. Review status: criteria provided, single submitter. Criteria: ACMG Guidelines, 2015. Collection method: clinical testing. Allele origin: germline.

GeneDx
Classification: Uncertain significance. Last evaluated: 2022-11-21. Review status: criteria provided, single submitter. Criteria: GeneDx Variant Classification Process June 2021. Collection method: clinical testing. Allele origin: germline. Affected: yes.
Comment: Not observed at significant frequency in large population cohorts (gnomAD); In silico analysis supports that this missense variant has a deleterious effect on protein structure/function; Observed in an individual with Lynch-related cancers and consistent tumor studies (Goodenberger et al., 2016); This variant is associated with the following publications: (PMID: 18619468, Fukui2011[Chapter], 25856668, 28135145)

Literature cited by the submitters: PubMed 23435383 (cited by Ambry Genetics); PubMed 25856668 (cited by Ambry Genetics and Labcorp Genetics (formerly Invitae), Labcorp); PubMed 28135145 (cited by Labcorp Genetics (formerly Invitae), Labcorp).